The following is an entry in ClinVar:

ClinVar aggregate classification (germline): Uncertain significance (1 of 4 stars; one submission).

Submission:

GeneDx
Classification: Uncertain significance. Last evaluated: 2024-11-08. Review status: criteria provided, single submitter. Criteria: GeneDx Variant Classification Process June 2021. Collection method: clinical testing. Allele origin: germline. Affected: yes.
Comment: Not observed at significant frequency in large population cohorts (gnomAD); In silico analysis indicates that this missense variant does not alter protein structure/function; Has not been previously published as pathogenic or benign to our knowledge

NM_001039141.3(TRIOBP):c.910T>C (p.Ser304Pro)

Gene: TRIOBP (TRIO and F-actin binding protein; plus strand). Cytogenetic location: 22q13.1.
Variant type: single nucleotide variant.
Coding change: c.910T>C on transcript NM_001039141.3 (MANE Select); coding-DNA position 910, T replaced by C.
Protein change: p.Ser304Pro; replaces serine 304 with proline.
Molecular consequence: missense variant.
Genome position (GRCh38, 1-based): chr22:37,723,466, T>C. VCF-style: chr22-37723466-T-C. GRCh37 (hg19) VCF-style: chr22-38119473-T-C.
Other names: short protein forms S304P.
Identifiers: ClinVar variation 3899037 (VCV003899037.1).